The following is an entry in ClinVar:

NM_022455.5(NSD1):c.6537dup (p.Ser2180fs)

Gene: NSD1 (nuclear receptor binding SET domain protein 1; plus strand). Cytogenetic location: 5q35.3.
Variant type: Duplication.
Coding change: c.6537dup on transcript NM_022455.5 (MANE Select); coding-DNA position 6537, one base duplicated (C; older notation c.6537dupC).
Protein change: p.Ser2180fs; shifts the reading frame from serine 2180.
Molecular consequence: frameshift variant.
Genome position (GRCh38, 1-based): chr5:177,293,905, C duplicated; the last of 4 consecutive C bases (chr5:177,293,902-177,293,905); duplicating any one gives the same sequence. VCF-style (leftmost placement, unchanged base first): chr5-177293901-G-GC. GRCh37 (hg19) VCF-style: chr5-176720902-G-GC.
Other names: c.6533_6534insC (NM_022455.4); c.5664dup, p.Ser1889Glnfs (NM_001365684.2, NM_001409308.1, NM_172349.5); c.6537dup, p.Ser2180Glnfs (NM_001409301.1, NM_001409302.1, NM_001409303.1); c.6117dup, p.Ser2040Glnfs (NM_001409304.1); c.5784dup, p.Ser1929Glnfs (NM_001409305.1); c.5775dup, p.Ser1926Glnfs (NM_001409306.1, NM_001409307.1); c.5415dup, p.Ser1806Glnfs (NM_001409309.1); short protein forms S1911fs, S2180fs.
Identifiers: ClinVar variation 243070 (VCV000243070.2), dbSNP rs879253860, ClinGen allele CA10584082.

ClinVar aggregate classification (germline): Pathogenic (1 of 4 stars; one submission).

Conditions:
Sotos syndrome (SOTOS). Also called: Distinctive facial appearance, overgrowth in childhood, and learning disabilities or delayed development; SOTOS SYNDROME 1; CHROMOSOME 5q35 DELETION SYNDROME; Sotos' syndrome; CEREBRAL GIGANTISM. Identifiers: Orphanet 821, MedGen C0175695, MONDO:0019349, OMIM 117550.

Submission:

Lupski Lab, Baylor-Hopkins CMG, Baylor College of Medicine
Classification: Pathogenic for Sotos syndrome. Last evaluated: 2015-08-18. Review status: criteria provided, single submitter. Criteria: Gonzaga-Jauregui et al. (Cell Rep. 2015). Collection method: research. Allele origin: de novo. Inheritance: Autosomal dominant inheritance. Affected: yes. Observed: 1 variant allele, 1 heterozygote.
Comment: This variant is predicted deleterious according to ACMG guidelines.